The following is an entry in ClinVar:

NM_206933.4(USH2A):c.12199A>C (p.Ser4067Arg)

Gene: USH2A (usherin; minus strand). Cytogenetic location: 1q41.
Variant type: single nucleotide variant.
Coding change: c.12199A>C on transcript NM_206933.4 (MANE Select); coding-DNA position 12199, A replaced by C.
Protein change: p.Ser4067Arg; replaces serine 4067 with arginine.
Molecular consequence: missense variant.
Genome position (GRCh38, 1-based): chr1:215,680,244, T>G on the plus strand (A>C on the coding strand, the complement: USH2A is on the minus strand). VCF-style: chr1-215680244-T-G. GRCh37 (hg19) VCF-style: chr1-215853586-T-G.
Other names: c.12199A>C (NM_206933.2); short protein forms S4067R.
Identifiers: ClinVar variation 2174631 (VCV002174631.7), dbSNP rs200202244, ClinGen allele CA1393523.

ClinVar aggregate classification (germline): Uncertain significance. Review status: criteria provided, multiple submitters, no conflicts (2 of 4 stars). 4 submissions from 3 submitters: Uncertain significance (4). Last evaluated 2023-11-04.

Conditions:
Inborn genetic diseases. Identifiers: MedGen C0950123, MeSH D030342.
Retinitis pigmentosa 39 (RP39). Identifiers: Orphanet 791, MedGen C3151138, MONDO:0013436, OMIM 613809.
Usher syndrome type 2A. Also called: RETINAL DISEASE IN USHER SYNDROME TYPE IIA, MODIFIER OF; USHER SYNDROME, TYPE IIA. Identifiers: Orphanet 231178, Orphanet 886, MedGen C1848634, MONDO:0010169, OMIM 276901.

Allele frequency attached by ClinVar (database versions not stated): ExAC 0.00002; gnomAD 0.00003; 1000 Genomes Project 30x 0.00016; 1000 Genomes Project 0.00020.
gnomAD v4.1: 7 of 1,614,168 alleles (0.00043%); highest among the groups gnomAD compares: African/African-American, 0.008%; no homozygotes.

Submissions (4):

Genome-Nilou Lab
Classification: Uncertain significance for Retinitis pigmentosa 39. Last evaluated: 2023-11-04. Review status: criteria provided, single submitter. Criteria: ACMG Guidelines, 2015. Collection method: clinical testing. Allele origin: germline. Affected: no.

Genome-Nilou Lab
Classification: Uncertain significance for Usher syndrome type 2A. Last evaluated: 2023-11-04. Review status: criteria provided, single submitter. Criteria: ACMG Guidelines, 2015. Collection method: clinical testing. Allele origin: germline. Affected: no.

Ambry Genetics
Classification: Uncertain significance for Inborn genetic diseases. Last evaluated: 2023-01-23. Review status: criteria provided, single submitter. Criteria: Ambry Variant Classification Scheme 2023. Collection method: clinical testing. Allele origin: germline.

Labcorp Genetics (formerly Invitae), Labcorp
Classification: Uncertain significance. Last evaluated: 2022-01-19. Review status: criteria provided, single submitter. Criteria: Invitae Variant Classification Sherloc (09022015). Collection method: clinical testing. Allele origin: germline.
Comment: In summary, the available evidence is currently insufficient to determine the role of this variant in disease. Therefore, it has been classified as a Variant of Uncertain Significance. Algorithms developed to predict the effect of missense changes on protein structure and function output the following: SIFT: "Deleterious"; PolyPhen-2: "Benign"; Align-GVGD: "Class C65". The arginine amino acid residue is found in multiple mammalian species, which suggests that this missense change does not adversely affect protein function. This variant has not been reported in the literature in individuals affected with USH2A-related conditions. This variant is present in population databases (rs200202244, gnomAD 0.01%). This sequence change replaces serine, which is neutral and polar, with arginine, which is basic and polar, at codon 4067 of the USH2A protein (p.Ser4067Arg).